The following is an entry in ClinVar:

ClinVar aggregate classification (germline): Likely pathogenic (0 of 4 stars; one submission).

Conditions:
Autosomal recessive nonsyndromic hearing loss 9. Also called: NEUROSENSORY NONSYNDROMIC RECESSIVE DEAFNESS 9; OTOF-Related Hearing Loss; Deafness, autosomal recessive 9; AUDITORY NEUROPATHY, AUTOSOMAL RECESSIVE, 1, TEMPERATURE-SENSITIVE. Identifiers: Orphanet 90636, MedGen C1832828, MONDO:0010986, OMIM 601071.

Submission:

Diagnosis and Treatment Center of Genetic Hearing Loss, Eye & ENT Hospital of Fudan University
Classification: Likely pathogenic for Autosomal recessive nonsyndromic hearing loss 9. Last evaluated: 2026-02-04. Review status: no assertion criteria provided. Collection method: clinical testing. Allele origin: germline. Inheritance: Autosomal recessive inheritance. Affected: yes.
Comment: The c.5108delinsTCTT variant in OTOF is an in‑frame insertion/deletion that alters protein length (PM4). It is absent from population databases (PM2_Supporting). It was detected in trans with pathogenic c.2215-1G>C (PM3). The phenotype is consistent with auditory neuropathy (PP4).

NM_194248.3(OTOF):c.5108delinsTCTT (p.Arg1703delinsLeuPhe)

Genes: OTOF (otoferlin; minus strand), LOC112840921 (BRD4-independent group 4 enhancer GRCh37_chr2:26685720-26686919; plus strand). Cytogenetic location: 2p23.3.
Variant type: Indel.
Coding change: c.5108delinsTCTT on transcript NM_194248.3 (MANE Select); coding-DNA position 5108, G replaced by TCTT.
Protein change: p.Arg1703delinsLeuPhe.
Molecular consequence: inframe indel.
Genome position (GRCh38, 1-based): chr2:26,463,567, C replaced by AAGA on the plus strand (G replaced by TCTT on the coding strand, the reverse complement: OTOF is on the minus strand). VCF-style: chr2-26463567-C-AAGA. GRCh37 (hg19) VCF-style: chr2-26686435-C-AAGA.
Other names: c.5108delinsTCTT, p.Arg1703delinsLeuPhe (NM_001287489.2); c.2807delinsTCTT, p.Arg936delinsLeuPhe (NM_004802.4, NM_194323.3); c.3038delinsTCTT, p.Arg1013delinsLeuPhe (NM_194322.3).
Identifiers: ClinVar variation 4879928 (VCV004879928.1).